The following is an entry in ClinVar:

ClinVar aggregate classification (germline): Pathogenic (1 of 4 stars; one submission).

Conditions:
Developmental and epileptic encephalopathy 94 (DEE94). Also called: CHD2-Related Neurodevelopmental Disorders; Epileptic encephalopathy, childhood-onset. Identifiers: Orphanet 1942, Orphanet 2382, MedGen C3809278, MONDO:0014150, OMIM 615369.

Submission:

Labcorp Genetics (formerly Invitae), Labcorp
Classification: Pathogenic for Developmental and epileptic encephalopathy 94. Last evaluated: 2017-09-27. Review status: criteria provided, single submitter. Criteria: Invitae Variant Classification Sherloc (09022015). Collection method: clinical testing. Allele origin: germline.
Comment: For these reasons, this variant has been classified as Pathogenic. This sequence change creates a premature translational stop signal (p.Trp351*) in the CHD2 gene. It is expected to result in an absent or disrupted protein product. This variant is not present in population databases (ExAC no frequency). This variant has not been reported in the literature in individuals with CHD2-related disease. Loss-of-function variants in CHD2 are known to be pathogenic (PMID: 23708187, 24207121).

Literature cited by the submitters: PubMed 23708187; PubMed 24207121.

NM_001271.4(CHD2):c.1053G>A (p.Trp351Ter)

Gene: CHD2 (chromodomain helicase DNA binding protein 2; plus strand). Cytogenetic location: 15q26.1.
Variant type: single nucleotide variant.
Coding change: c.1053G>A on transcript NM_001271.4 (MANE Select); coding-DNA position 1053, G replaced by A.
Protein change: p.Trp351Ter; replaces tryptophan 351 with a stop codon.
Molecular consequence: nonsense.
Genome position (GRCh38, 1-based): chr15:92,944,415, G>A. VCF-style: chr15-92944415-G-A. GRCh37 (hg19) VCF-style: chr15-93487645-G-A.
Other names: c.1053G>A, p.Trp351Ter (NM_001042572.3); short protein forms W351*.
Identifiers: ClinVar variation 541367 (VCV000541367.7), dbSNP rs1555439714, ClinGen allele CA393902895.